The following is an entry in ClinVar:

NM_005257.6(GATA6):c.1784C>T (p.Ala595Val)

Gene: GATA6 (GATA binding protein 6; plus strand). Cytogenetic location: 18q11.2.
Variant type: single nucleotide variant.
Coding change: c.1784C>T on transcript NM_005257.6 (MANE Select); coding-DNA position 1784, C replaced by T.
Protein change: p.Ala595Val; replaces alanine 595 with valine.
Molecular consequence: missense variant.
Genome position (GRCh38, 1-based): chr18:22,200,819, C>T. VCF-style: chr18-22200819-C-T. GRCh37 (hg19) VCF-style: chr18-19780782-C-T.
Other names: short protein forms A595V.
Identifiers: ClinVar variation 1478245 (VCV001478245.6), dbSNP rs2143346650, ClinGen allele CA401803336.

ClinVar aggregate classification (germline): Uncertain significance (1 of 4 stars; one submission).

Conditions:
Atrioventricular septal defect 5 (AVSD5). Identifiers: MedGen C3280939, MONDO:0013769, OMIM 614474.

Submission:

Labcorp Genetics (formerly Invitae), Labcorp
Classification: Uncertain significance for Atrioventricular septal defect 5. Last evaluated: 2022-10-13. Review status: criteria provided, single submitter. Criteria: Invitae Variant Classification Sherloc (09022015). Collection method: clinical testing. Allele origin: germline.
Comment: This sequence change replaces alanine, which is neutral and non-polar, with valine, which is neutral and non-polar, at codon 595 of the GATA6 protein (p.Ala595Val). This variant is not present in population databases (gnomAD no frequency). This variant has not been reported in the literature in individuals affected with GATA6-related conditions. ClinVar contains an entry for this variant (Variation ID: 1478245). Algorithms developed to predict the effect of missense changes on protein structure and function are either unavailable or do not agree on the potential impact of this missense change (SIFT: "Deleterious"; PolyPhen-2: "Probably Damaging"; Align-GVGD: "Class C0"). In summary, the available evidence is currently insufficient to determine the role of this variant in disease. Therefore, it has been classified as a Variant of Uncertain Significance.